The following is an entry in ClinVar:

ClinVar aggregate classification (germline): Uncertain significance (1 of 4 stars; one submission).

Submission:

Ambry Genetics
Classification: Uncertain significance. Last evaluated: 2025-02-16. Review status: criteria provided, single submitter. Criteria: Ambry Variant Classification Scheme 2023. Collection method: clinical testing. Allele origin: germline.
Comment: The p.I146T variant (also known as c.437T>C), located in coding exon 1 of the MC1R gene, results from a T to C substitution at nucleotide position 437. The isoleucine at codon 146 is replaced by threonine, an amino acid with similar properties. This amino acid position is conserved. In addition, this alteration is predicted to be deleterious by in silico analysis. Based on the available evidence, the clinical significance of this variant remains unclear.

NM_002386.4(MC1R):c.437T>C (p.Ile146Thr)

Gene: MC1R (melanocortin 1 receptor; plus strand). Cytogenetic location: 16q24.3.
Variant type: single nucleotide variant.
Coding change: c.437T>C on transcript NM_002386.4 (MANE Select); coding-DNA position 437, T replaced by C.
Protein change: p.Ile146Thr; replaces isoleucine 146 with threonine.
Molecular consequence: missense variant.
Genome position (GRCh38, 1-based): chr16:89,919,695, T>C. VCF-style: chr16-89919695-T-C. GRCh37 (hg19) VCF-style: chr16-89986103-T-C.
Other names: short protein forms I146T.
Identifiers: ClinVar variation 3871121 (VCV003871121.1).